The following is an entry in ClinVar:

NM_015631.6(TCTN3):c.1538C>T (p.Pro513Leu)

Gene: TCTN3 (tectonic family member 3; minus strand). Cytogenetic location: 10q24.1.
Variant type: single nucleotide variant.
Coding change: c.1538C>T on transcript NM_015631.6 (MANE Select); coding-DNA position 1538, C replaced by T.
Protein change: p.Pro513Leu; replaces proline 513 with leucine.
Molecular consequence: missense variant.
Genome position (GRCh38, 1-based): chr10:95,680,524, G>A on the plus strand (C>T on the coding strand, the complement: TCTN3 is on the minus strand). VCF-style: chr10-95680524-G-A. GRCh37 (hg19) VCF-style: chr10-97440281-G-A.
Other names: c.1094C>T, p.Pro365Leu (NM_001143973.2); c.1538C>T (NM_015631.5); short protein forms P513L, P365L.
Identifiers: ClinVar variation 1481960 (VCV001481960.7), dbSNP rs756561177, ClinGen allele CA5620802.

ClinVar aggregate classification (germline): Uncertain significance. Review status: criteria provided, multiple submitters, no conflicts (2 of 4 stars). 2 submissions from 2 submitters: Uncertain significance (2). Last evaluated 2025-08-08.

Conditions:
Joubert syndrome 18 (JBTS18). Identifiers: Orphanet 2754, MedGen C3553758, MONDO:0013896, OMIM 614815.
Orofacial-digital syndrome IV (OFD4). Also called: Orofaciodigital syndrome IV; BARAITSER-BURN SYNDROME; MOHR-MAJEWSKI SYNDROME; OFD SYNDROME WITH TIBIAL DEFECTS; OFD SYNDROME, BARAITSER-BURN TYPE; OFDS IV. Identifiers: Orphanet 2753, MedGen C0406727, MONDO:0009794, OMIM 258860.
Inborn genetic diseases. Identifiers: MedGen C0950123, MeSH D030342.

Allele frequency attached by ClinVar (database versions not stated): ExAC 0.00001; gnomAD 0.00001; TOPMed 0.00002; gnomAD exomes 0.00004 and 0.00006.
gnomAD v4.1: 89 of 1,613,990 alleles (0.0055%); highest among the groups gnomAD compares: Non-Finnish European, 0.0069%; no homozygotes.

Submissions (2):

Ambry Genetics
Classification: Uncertain significance for Inborn genetic diseases. Last evaluated: 2025-08-08. Review status: criteria provided, single submitter. Criteria: Ambry Variant Classification Scheme 2023. Collection method: clinical testing. Allele origin: germline.

Labcorp Genetics (formerly Invitae), Labcorp
Classification: Uncertain significance for Joubert syndrome 18; Orofacial-digital syndrome IV. Last evaluated: 2024-08-05. Review status: criteria provided, single submitter. Criteria: Invitae Variant Classification Sherloc (09022015). Collection method: clinical testing. Allele origin: germline.
Comment: This sequence change replaces proline, which is neutral and non-polar, with leucine, which is neutral and non-polar, at codon 513 of the TCTN3 protein (p.Pro513Leu). This variant is present in population databases (rs756561177, gnomAD 0.007%). This variant has not been reported in the literature in individuals affected with TCTN3-related conditions. ClinVar contains an entry for this variant (Variation ID: 1481960). Advanced modeling of protein sequence and biophysical properties (such as structural, functional, and spatial information, amino acid conservation, physicochemical variation, residue mobility, and thermodynamic stability) performed at Invitae indicates that this missense variant is expected to disrupt TCTN3 protein function with a positive predictive value of 80%. In summary, the available evidence is currently insufficient to determine the role of this variant in disease. Therefore, it has been classified as a Variant of Uncertain Significance.